The following is an entry in ClinVar:

NM_006721.4(ADK):c.66-24106T>C

Gene: ADK (adenosine kinase; plus strand). Cytogenetic location: 10q22.2.
Variant type: single nucleotide variant.
Coding change: c.66-24106T>C on transcript NM_006721.4 (MANE Select); 24106 bases into the intron before coding-DNA position 66, T replaced by C.
Molecular consequence: intron variant.
Genome position (GRCh38, 1-based): chr10:74,176,658, T>C. VCF-style: chr10-74176658-T-C. GRCh37 (hg19) VCF-style: chr10-75936416-T-C.
Other names: c.66-24106T>C (NM_001369123.1, NM_001202450.2).
Identifiers: ClinVar variation 300831 (VCV000300831.7), dbSNP rs192064997, ClinGen allele CA10629053.

ClinVar aggregate classification (germline): Likely benign (1 of 4 stars; one submission).

Conditions:
Adenosine kinase deficiency. Also called: Hypermethioninemia due to adenosine kinase deficiency; MENTAL RETARDATION, AUTOSOMAL RECESSIVE 8. Identifiers: Orphanet 289290, Orphanet 88616, MedGen C4706555, MONDO:0100255, OMIM 614300.

Allele frequency attached by ClinVar (database versions not stated): 1000 Genomes Project 0.00200; gnomAD 0.00237 and 0.00255; TOPMed 0.00276; gnomAD exomes 0.00040; 1000 Genomes Project 30x 0.00187.
gnomAD v4.1: 901 of 1,425,866 alleles (0.063%); highest among the groups gnomAD compares: African/African-American, 0.81%; 3 homozygotes.

Submission:

Illumina Laboratory Services, Illumina
Classification: Likely benign for Adenosine kinase deficiency. Last evaluated: 2018-01-13. Review status: criteria provided, single submitter. Criteria: ICSL Variant Classification Criteria 13 December 2019. Collection method: clinical testing. Allele origin: germline.
Comment: This variant was observed in the ICSL laboratory as part of a predisposition screen in an ostensibly healthy population. It had not been previously curated by ICSL or reported in the Human Gene Mutation Database (HGMD: prior to June 1st, 2018), and was therefore a candidate for classification through an automated scoring system. Utilizing variant allele frequency, disease prevalence and penetrance estimates, and inheritance mode, an automated score was calculated to assess if this variant is too frequent to cause the disease. Based on the score and internal cut-off values, a variant classified as likely benign is not then subjected to further curation. The score for this variant resulted in a classification of likely benign for this disease.